The following is an entry in ClinVar:

NM_004360.5(CDH1):c.112A>C (p.Thr38Pro)

Gene: CDH1 (cadherin 1; plus strand). Cytogenetic location: 16q22.1.
Variant type: single nucleotide variant.
Coding change: c.112A>C on transcript NM_004360.5 (MANE Select); coding-DNA position 112, A replaced by C.
Protein change: p.Thr38Pro; replaces threonine 38 with proline.
Molecular consequence: missense variant. On other transcripts: 5 prime UTR variant (2).
Genome position (GRCh38, 1-based): chr16:68,738,360, A>C. VCF-style: chr16-68738360-A-C. GRCh37 (hg19) VCF-style: chr16-68772263-A-C.
Other names: NM_004360.5(CDH1):c.112A>C; p.Thr38Pro; c.112A>C, p.Thr38Pro (NM_001317184.2); c.-1504A>C (NM_001317185.2); c.-1708A>C (NM_001317186.2); c.112A>C (LRG_301t1); short protein forms T38P.
Identifiers: ClinVar variation 489846 (VCV000489846.20), dbSNP rs786203442, ClinGen allele CA396452065.

ClinVar aggregate classification (germline): Uncertain significance. Review status: reviewed by expert panel (3 of 4 stars). 5 submissions from 5 submitters: Uncertain significance (1). 4 of the submissions do not count toward it. Last evaluated 2023-08-02.

Conditions:
CDH1-related diffuse gastric and lobular breast cancer syndrome. Also called: CDH1-related diffuse gastric and lobular breast cancer. Identifiers: MedGen CN311521, MONDO:0100488.
Hereditary cancer-predisposing syndrome. Also called: Tumor predisposition; Neoplastic Syndromes, Hereditary; Hereditary Cancer Syndrome; Hereditary neoplastic syndrome. Identifiers: Orphanet 140162, MedGen C0027672, MeSH D009386, MONDO:0015356.
Hereditary diffuse gastric adenocarcinoma (HDGC). Also called: DIFFUSE GASTRIC AND LOBULAR BREAST CANCER SYNDROME. Identifiers: Orphanet 26106, MedGen C1708349, MONDO:0007648, OMIM 137215.
Familial cancer of breast. Also called: BREAST CANCER, FAMILIAL; hereditary breast carcinoma; Hereditary breast cancer. Identifiers: Orphanet 227535, MedGen C0346153, MONDO:0016419, OMIM 114480. Disease mechanism: loss of function.

Submissions (5):

Clingen Gastric Cancer Variant Curation Expert Panel
Classification: Uncertain significance for CDH1-related diffuse gastric and lobular breast cancer syndrome. Last evaluated: 2023-08-02. Review status: reviewed by expert panel. Criteria: ClinGen CDH1 ACMG Specifications V3.1. Collection method: curation. Allele origin: germline. Inheritance: Autosomal dominant inheritance.
Comment: The c.112A>C (NM_004360.5) variant in CDH1 is a missense variant predicted to cause substitution in exon 2 (p.Thr38Pro). This variant was observed in seven individuals with no DGC, LBC or SRC tumours and whose families do not suggest HDGC (BS2_Supporting; Invitae). Note that this includes two individuals with a family history of stomach cancer NOS. This variant is absent from gnomAD 2.1.1 (PM2_Spporting). In summary, this variant is classified as uncertain significance for DGLBCS based on the ACMG/AMP criteria applied, as specified by the ClinGen CDH1 VCEP: PM2_Supporting, BS2_supporting. (CDH1 VCEP specifications version 3.1; 04/24/2023)

Labcorp Genetics (formerly Invitae), Labcorp
Classification: Uncertain significance for Hereditary diffuse gastric adenocarcinoma. Last evaluated: 2024-11-16. Review status: criteria provided, single submitter. Criteria: Invitae Variant Classification Sherloc (09022015). Collection method: clinical testing. Allele origin: germline. Not counted in ClinVar's aggregate classification.
Comment: This sequence change replaces threonine, which is neutral and polar, with proline, which is neutral and non-polar, at codon 38 of the CDH1 protein (p.Thr38Pro). This variant is not present in population databases (gnomAD no frequency). This variant has not been reported in the literature in individuals affected with CDH1-related conditions. ClinVar contains an entry for this variant (Variation ID: 489846). An algorithm developed to predict the effect of missense changes on protein structure and function (PolyPhen-2) suggests that this variant is likely to be tolerated. In summary, the available evidence is currently insufficient to determine the role of this variant in disease. Therefore, it has been classified as a Variant of Uncertain Significance.

Color Diagnostics, LLC DBA Color Health
Classification: Uncertain significance for Hereditary cancer-predisposing syndrome. Last evaluated: 2024-03-06. Review status: criteria provided, single submitter. Criteria: ACMG Guidelines, 2015. Collection method: clinical testing. Allele origin: germline. Not counted in ClinVar's aggregate classification.
Comment: This missense variant replaces threonine with proline at codon 38 of the CDH1 protein. Computational prediction suggests that this variant may not impact protein structure and function (internally defined REVEL score threshold <= 0.5, PMID: 27666373). Splice site prediction tools suggest that this variant may not impact RNA splicing. To our knowledge, functional studies have not been performed for this variant. This variant has not been reported in individuals affected with hereditary cancer in the literature. This variant has not been identified in the general population by the Genome Aggregation Database (gnomAD). The available evidence is insufficient to determine the role of this variant in disease conclusively. Therefore, this variant is classified as a Variant of Uncertain Significance.

Ambry Genetics
Classification: Uncertain significance for Hereditary cancer-predisposing syndrome. Last evaluated: 2023-12-04. Review status: criteria provided, single submitter. Criteria: Ambry Variant Classification Scheme 2023. Collection method: clinical testing. Allele origin: germline. Not counted in ClinVar's aggregate classification.
Comment: The p.T38P variant (also known as c.112A>C), located in coding exon 2 of the CDH1 gene, results from an A to C substitution at nucleotide position 112. The threonine at codon 38 is replaced by proline, an amino acid with highly similar properties. This amino acid position is well conserved in available vertebrate species. In addition, this alteration is predicted to be tolerated by in silico analysis. Since supporting evidence is limited at this time, the clinical significance of this alteration remains unclear.

Baylor Genetics
Classification: Uncertain significance for Familial cancer of breast. Last evaluated: 2023-09-06. Review status: criteria provided, single submitter. Criteria: ACMG Guidelines, 2015. Collection method: clinical testing. Allele origin: unknown. Not counted in ClinVar's aggregate classification.